The following is an entry in ClinVar:

ClinVar aggregate classification (germline): Uncertain significance (1 of 4 stars; one submission).

Conditions:
TTN-related disorder. Also called: TTN-related condition; TTN-related disease; TTN-related disorders.

gnomAD v4.1: 6 of 1,610,776 alleles (0.00037%); highest among the groups gnomAD compares: Non-Finnish European, 0.00051%; no homozygotes.

Submission:

PreventionGenetics, part of Exact Sciences
Classification: Uncertain significance for TTN-related condition. Last evaluated: 2026-07-18. Review status: criteria provided, single submitter. Criteria: ACMG Guidelines, 2015. Collection method: clinical testing. Allele origin: germline.
Comment: The TTN c.19928A>G variant is predicted to result in the amino acid substitution p.Gln6643Arg. To our knowledge, this variant has not been reported in the literature. This variant is reported in 0.00090% of alleles in individuals of European (Non-Finnish) descent in gnomAD. At this time, the clinical significance of this variant is uncertain due to the absence of conclusive functional and genetic evidence.

NM_001267550.2(TTN):c.19928A>G (p.Gln6643Arg)

Genes: TTN (titin; minus strand), LOC126806429 (BRD4-independent group 4 enhancer GRCh37_chr2:179591393-179592592; plus strand). Cytogenetic location: 2q31.2.
Variant type: single nucleotide variant.
Coding change: c.19928A>G on transcript NM_001267550.2 (MANE Select); coding-DNA position 19928, A replaced by G.
Protein change: p.Gln6643Arg; replaces glutamine 6643 with arginine.
Molecular consequence: missense variant. On other transcripts: intron variant (3).
Genome position (GRCh38, 1-based): chr2:178,727,650, T>C on the plus strand (A>G on the coding strand, the complement: TTN is on the minus strand). VCF-style: chr2-178727650-T-C. GRCh37 (hg19) VCF-style: chr2-179592377-T-C.
Other names: c.18977A>G, p.Gln6326Arg (NM_001256850.1); c.16196A>G, p.Gln5399Arg (NM_133378.4); c.13282+10432A>G (NM_003319.4); c.13858+10432A>G (NM_133437.4); c.13657+10432A>G (NM_133432.3); short protein forms Q5399R, Q6326R, Q6643R.
Identifiers: ClinVar variation 4979092 (VCV004979092.1).